The following is an entry in ClinVar:

NM_017849.4(TMEM127):c.8C>T (p.Ala3Val)

Genes: TMEM127 (transmembrane protein 127; minus strand), LOC129934333 (ATAC-STARR-seq lymphoblastoid silent region 11759; plus strand). Cytogenetic location: 2q11.2.
Variant type: single nucleotide variant.
Coding change: c.8C>T on transcript NM_017849.4 (MANE Select); coding-DNA position 8, C replaced by T.
Protein change: p.Ala3Val; replaces alanine 3 with valine.
Molecular consequence: missense variant.
Genome position (GRCh38, 1-based): chr2:96,265,374, G>A on the plus strand (C>T on the coding strand, the complement: TMEM127 is on the minus strand). VCF-style: chr2-96265374-G-A. GRCh37 (hg19) VCF-style: chr2-96931112-G-A.
Other names: c.8C>T, p.Ala3Val (NM_001193304.3); short protein forms A3V.
Identifiers: ClinVar variation 463858 (VCV000463858.10), dbSNP rs1553437754, ClinGen allele CA347656347.

ClinVar aggregate classification (germline): Uncertain significance. Review status: criteria provided, multiple submitters, no conflicts (2 of 4 stars). 2 submissions from 2 submitters: Uncertain significance (2). Last evaluated 2025-10-07.

Conditions:
Hereditary cancer-predisposing syndrome. Also called: Neoplastic Syndromes, Hereditary; Hereditary neoplastic syndrome; Tumor predisposition; Hereditary Cancer Syndrome. Identifiers: Orphanet 140162, MedGen C0027672, MeSH D009386, MONDO:0015356.
Hereditary pheochromocytoma and paraganglioma. Also called: Hereditary Paraganglioma-Pheochromocytoma Syndromes; Hereditary paragangliomas and pheochromocytomas; Hereditary pheochromocytoma-paraganglioma. Identifiers: Orphanet 29072, MedGen C4274332, MONDO:0017366.

Allele frequency attached by ClinVar (database versions not stated): gnomAD exomes below 0.00001; gnomAD 0.00001.
gnomAD v4.1: 2 of 1,460,706 alleles (0.00014%); highest among the groups gnomAD compares: Admixed American, 0.0024%; no homozygotes.

Submissions (2):

Labcorp Genetics (formerly Invitae), Labcorp
Classification: Uncertain significance for Hereditary pheochromocytoma and paraganglioma. Last evaluated: 2025-10-07. Review status: criteria provided, single submitter. Criteria: Invitae Variant Classification Sherloc (09022015). Collection method: clinical testing. Allele origin: germline.
Comment: This sequence change replaces alanine, which is neutral and non-polar, with valine, which is neutral and non-polar, at codon 3 of the TMEM127 protein (p.Ala3Val). This variant is not present in population databases (gnomAD no frequency). This variant has not been reported in the literature in individuals affected with TMEM127-related conditions. ClinVar contains an entry for this variant (Variation ID: 463858). Experimental studies and prediction algorithms are not available or were not evaluated, and the functional significance of this variant is currently unknown. In summary, the available evidence is currently insufficient to determine the role of this variant in disease. Therefore, it has been classified as a Variant of Uncertain Significance.

Ambry Genetics
Classification: Uncertain significance for Hereditary cancer-predisposing syndrome. Last evaluated: 2025-01-11. Review status: criteria provided, single submitter. Criteria: Ambry Variant Classification Scheme 2023. Collection method: clinical testing. Allele origin: germline.
Comment: The p.A3V variant (also known as c.8C>T), located in coding exon 1 of the TMEM127 gene, results from a C to T substitution at nucleotide position 8. The alanine at codon 3 is replaced by valine, an amino acid with similar properties. This amino acid position is conserved. In addition, the in silico prediction for this alteration is inconclusive. Based on the available evidence, the clinical significance of this variant remains unclear.